The following is an entry in ClinVar:

ClinVar aggregate classification (germline): Pathogenic (1 of 4 stars; one submission).

Conditions:
Hereditary cancer-predisposing syndrome. Also called: Neoplastic Syndromes, Hereditary; Tumor predisposition; Hereditary Cancer Syndrome; Hereditary neoplastic syndrome. Identifiers: Orphanet 140162, MedGen C0027672, MeSH D009386, MONDO:0015356.

Submission:

Ambry Genetics
Classification: Pathogenic for Hereditary cancer-predisposing syndrome. Last evaluated: 2025-06-23. Review status: criteria provided, single submitter. Criteria: Ambry Variant Classification Scheme 2023. Collection method: clinical testing. Allele origin: germline.
Comment: The c.81_91del11 pathogenic mutation, located in coding exon 1 of the TMEM127 gene, results from a deletion of 11 nucleotides (GGAGCGTAGCC) at nucleotide positions 81 to 91, causing a translational frameshift with a predicted alternate stop codon (p.E28Gfs*76). This variant is considered to be rare based on population cohorts in the Genome Aggregation Database (gnomAD). This alteration is expected to result in loss of function by premature protein truncation or nonsense-mediated mRNA decay. As such, this alteration is interpreted as a disease-causing mutation.

NM_017849.4(TMEM127):c.81_91del (p.Glu28fs)

Genes: TMEM127 (transmembrane protein 127; minus strand), LOC129934333 (ATAC-STARR-seq lymphoblastoid silent region 11759; plus strand). Cytogenetic location: 2q11.2.
Variant type: Deletion.
Coding change: c.81_91del on transcript NM_017849.4 (MANE Select); coding-DNA positions 81 to 91, 11 bases deleted (GGAGCGTAGCC).
Protein change: p.Glu28fs; shifts the reading frame from glutamic acid 28.
Molecular consequence: frameshift variant. On other transcripts: intron variant (1).
Genome position (GRCh38, 1-based): chr2:96,265,291-96,265,301, GGCTACGCTCC deleted on the plus strand (GGAGCGTAGCC on the coding strand, the reverse complement: TMEM127 is on the minus strand); deleting any 11 consecutive bases within chr2:96,265,291-96,265,305 gives the same sequence; the c. name uses the placement nearest the transcript's 3' end. VCF-style (leftmost placement, unchanged base first): chr2-96265290-AGGCTACGCTCC-A. GRCh37 (hg19) VCF-style: chr2-96931028-AGGCTACGCTCC-A.
Other names: c.81_91del, p.Glu28fs (NM_001193304.3); c.-9+568_-9+578del (NM_001407283.1); c.81_91del11 (NM_017849.3); short protein forms E28fs.
Identifiers: ClinVar variation 4185906 (VCV004185906.1).